The following is an entry in ClinVar:

ClinVar aggregate classification (germline): Pathogenic (1 of 4 stars; one submission).

Conditions:
Mucopolysaccharidosis, MPS-III-A (MPS3A). Also called: Mucopolysaccharidosis type IIIA (Sanfilippo A); HEPARAN SULFATE SULFATASE DEFICIENCY; SANFILIPPO SYNDROME A; SULFAMIDASE DEFICIENCY; MPS III A; Mucopolysaccharidosis, type IIIA. Identifiers: Orphanet 581, Orphanet 79269, MedGen C0086647, MONDO:0009655, OMIM 252900.

Submission:

Labcorp Genetics (formerly Invitae), Labcorp
Classification: Pathogenic for Mucopolysaccharidosis, MPS-III-A. Last evaluated: 2024-08-24. Review status: criteria provided, single submitter. Criteria: Invitae Variant Classification Sherloc (09022015). Collection method: clinical testing. Allele origin: germline.
Comment: This sequence change creates a premature translational stop signal (p.Ile276Alafs*33) in the SGSH gene. While this is not anticipated to result in nonsense mediated decay, it is expected to disrupt the last 227 amino acid(s) of the SGSH protein. This variant is not present in population databases (gnomAD no frequency). This variant has not been reported in the literature in individuals affected with SGSH-related conditions. This variant disrupts a region of the SGSH protein in which other variant(s) (p.W479*) have been determined to be pathogenic (PMID: 21204211). This suggests that this is a clinically significant region of the protein, and that variants that disrupt it are likely to be disease-causing. For these reasons, this variant has been classified as Pathogenic.

Literature cited by the submitters: PubMed 21204211.

NM_000199.5(SGSH):c.826_841del (p.Ile276fs)

Gene: SGSH (N-sulfoglucosamine sulfohydrolase; minus strand). Cytogenetic location: 17q25.3.
Variant type: Deletion.
Coding change: c.826_841del on transcript NM_000199.5 (MANE Select); coding-DNA positions 826 to 841, 16 bases deleted (ATCCCCTTCCCCAGCG).
Protein change: p.Ile276fs; shifts the reading frame from isoleucine 276.
Molecular consequence: frameshift variant. On other transcripts: non-coding transcript variant (1).
Genome position (GRCh38, 1-based): chr17:80,212,179-80,212,194, CGCTGGGGAAGGGGAT deleted on the plus strand (ATCCCCTTCCCCAGCG on the coding strand, the reverse complement: SGSH is on the minus strand); deleting any 16 consecutive bases within chr17:80,212,179-80,212,195 gives the same sequence; the c. name uses the placement nearest the transcript's 3' end. VCF-style (leftmost placement, unchanged base first): chr17-80212178-CCGCTGGGGAAGGGGAT-C. GRCh37 (hg19) VCF-style: chr17-78185977-CCGCTGGGGAAGGGGAT-C.
Other names: c.826_841del, p.Ile276fs (NM_001352921.3, NM_001352922.2); short protein forms I276fs.
Identifiers: ClinVar variation 3663345 (VCV003663345.2).